The following is an entry in ClinVar:

NM_014249.4(NR2E3):c.91A>G (p.Arg31Gly)

Gene: NR2E3 (nuclear receptor subfamily 2 group E member 3; plus strand). Cytogenetic location: 15q23.
Variant type: single nucleotide variant.
Coding change: c.91A>G on transcript NM_014249.4 (MANE Select); coding-DNA position 91, A replaced by G.
Protein change: p.Arg31Gly; replaces arginine 31 with glycine.
Molecular consequence: missense variant.
Genome position (GRCh38, 1-based): chr15:71,810,834, A>G. VCF-style: chr15-71810834-A-G. GRCh37 (hg19) VCF-style: chr15-72103174-A-G.
Other names: c.91A>G, p.Arg31Gly (NM_016346.4); short protein forms R31G.
Identifiers: ClinVar variation 3003999 (VCV003003999.3), dbSNP rs2543252229, ClinGen allele CA393031750.

ClinVar aggregate classification (germline): Uncertain significance (1 of 4 stars; one submission).

Allele frequency attached by ClinVar (database versions not stated): gnomAD exomes below 0.00001.

Submission:

Labcorp Genetics (formerly Invitae), Labcorp
Classification: Uncertain significance. Last evaluated: 2024-03-29. Review status: criteria provided, single submitter. Criteria: Invitae Variant Classification Sherloc (09022015). Collection method: clinical testing. Allele origin: germline.
Comment: This sequence change replaces arginine, which is basic and polar, with glycine, which is neutral and non-polar, at codon 31 of the NR2E3 protein (p.Arg31Gly). This variant is not present in population databases (gnomAD no frequency). This variant has not been reported in the literature in individuals affected with NR2E3-related conditions. Advanced modeling of protein sequence and biophysical properties (such as structural, functional, and spatial information, amino acid conservation, physicochemical variation, residue mobility, and thermodynamic stability) has been performed at Invitae for this missense variant, however the output from this modeling did not meet the statistical confidence thresholds required to predict the impact of this variant on NR2E3 protein function. In summary, the available evidence is currently insufficient to determine the role of this variant in disease. Therefore, it has been classified as a Variant of Uncertain Significance.